The following is an entry in ClinVar:

NC_000022.11:g.(?_23816760)_(23834262_?)dup

Gene: SMARCB1 (SWI/SNF related BAF chromatin remodeling complex subunit B1; plus strand). Cytogenetic location: 22q11.23.
Variant type: Duplication.
Identifiers: ClinVar variation 832770 (VCV000832770.5).

ClinVar aggregate classification (germline): Uncertain significance (1 of 4 stars; one submission).

Submission:

Labcorp Genetics (formerly Invitae), Labcorp
Classification: Uncertain significance. Last evaluated: 2021-07-27. Review status: criteria provided, single submitter. Criteria: Invitae Variant Classification Sherloc (09022015). Collection method: clinical testing. Allele origin: germline.
Comment: This variant results in a copy number gain of the genomic region encompassing exons 6-9 of the SMARCB1 gene. The 5' boundary is likely confined to intron 5. The 3' end of this event is unknown as it extends beyond the assayed region for this gene and therefore may encompass additional genes. As the precise location of this event is unknown, it may be in tandem or it may be located elsewhere in the genome. This variant has not been reported in the literature in individuals with SMARCB1-related conditions. Experimental studies and prediction algorithms are not available or were not evaluated, and the functional significance of this variant is currently unknown. In summary, the available evidence is currently insufficient to determine the role of this variant in disease. Therefore, it has been classified as a Variant of Uncertain Significance.